The following is an entry in ClinVar:

ClinVar aggregate classification (germline): Uncertain significance. Review status: criteria provided, multiple submitters, no conflicts (2 of 4 stars). 2 submissions from 2 submitters: Uncertain significance (2). Last evaluated 2026-07-21.

Conditions:
Mitochondrial complex II deficiency, nuclear type 1. Also called: SUCCINATE CoQ REDUCTASE DEFICIENCY. Identifiers: Orphanet 3208, MedGen C5700310, MONDO:0100294, OMIM 252011.
Pheochromocytoma/paraganglioma syndrome 5. Also called: Paragangliomas 5; SDHA-Related Hereditary Paraganglioma-Pheochromocytoma Syndrome. Identifiers: Orphanet 29072, MedGen C3279992, MONDO:0013602, OMIM 614165.
Hereditary cancer-predisposing syndrome. Also called: Hereditary Cancer Syndrome; Tumor predisposition; Neoplastic Syndromes, Hereditary; Hereditary neoplastic syndrome. Identifiers: Orphanet 140162, MedGen C0027672, MeSH D009386, MONDO:0015356.

Submissions (2):

Ambry Genetics
Classification: Uncertain significance for Hereditary cancer-predisposing syndrome. Last evaluated: 2026-07-21. Review status: criteria provided, single submitter. Criteria: Ambry Variant Classification Scheme 2023. Collection method: clinical testing. Allele origin: germline.
Comment: The p.R325M variant (also known as c.974G>T), located in coding exon 8 of the SDHA gene, results from a G to T substitution at nucleotide position 974. The arginine at codon 325 is replaced by methionine, an amino acid with similar properties. This amino acid position is highly conserved in available vertebrate species. In addition, this alteration is predicted to be deleterious by in silico analysis. Based on the available evidence, the clinical significance of this variant remains unclear.

Labcorp Genetics (formerly Invitae), Labcorp
Classification: Uncertain significance for Pheochromocytoma/paraganglioma syndrome 5; Mitochondrial complex II deficiency, nuclear type 1. Last evaluated: 2024-02-15. Review status: criteria provided, single submitter. Criteria: Invitae Variant Classification Sherloc (09022015). Collection method: clinical testing. Allele origin: germline.
Comment: This sequence change replaces arginine, which is basic and polar, with methionine, which is neutral and non-polar, at codon 325 of the SDHA protein (p.Arg325Met). This variant is not present in population databases (gnomAD no frequency). This variant has not been reported in the literature in individuals affected with SDHA-related conditions. ClinVar contains an entry for this variant (Variation ID: 1506278). Advanced modeling of protein sequence and biophysical properties (such as structural, functional, and spatial information, amino acid conservation, physicochemical variation, residue mobility, and thermodynamic stability) has been performed at Invitae for this missense variant, however the output from this modeling did not meet the statistical confidence thresholds required to predict the impact of this variant on SDHA protein function. In summary, the available evidence is currently insufficient to determine the role of this variant in disease. Therefore, it has been classified as a Variant of Uncertain Significance.

NM_004168.4(SDHA):c.974G>T (p.Arg325Met)

Gene: SDHA (succinate dehydrogenase complex flavoprotein subunit A; plus strand). Cytogenetic location: 5p15.33.
Variant type: single nucleotide variant.
Coding change: c.974G>T on transcript NM_004168.4 (MANE Select); coding-DNA position 974, G replaced by T.
Protein change: p.Arg325Met; replaces arginine 325 with methionine.
Molecular consequence: missense variant.
Genome position (GRCh38, 1-based): chr5:233,555, G>T. VCF-style: chr5-233555-G-T. GRCh37 (hg19) VCF-style: chr5-233670-G-T.
Other names: c.830G>T, p.Arg277Met (NM_001294332.2); c.974G>T, p.Arg325Met (NM_001330758.2); short protein forms R277M, R325M.
Identifiers: ClinVar variation 1506278 (VCV001506278.10), dbSNP rs1735554223, ClinGen allele CA359012746.